The following is an entry in ClinVar:

ClinVar aggregate classification (germline): Uncertain significance (1 of 4 stars; one submission).

Conditions:
Inborn genetic diseases. Identifiers: MedGen C0950123, MeSH D030342.

Submission:

Ambry Genetics
Classification: Uncertain significance for Inborn genetic diseases. Last evaluated: 2024-11-03. Review status: criteria provided, single submitter. Criteria: Ambry Variant Classification Scheme 2023. Collection method: clinical testing. Allele origin: germline.
Comment: The p.G460E variant (also known as c.1379G>A), located in coding exon 8 of the LTBP3 gene, results from a G to A substitution at nucleotide position 1379. The glycine at codon 460 is replaced by glutamic acid, an amino acid with similar properties. This amino acid position is conserved. In addition, this alteration is predicted to be deleterious by in silico analysis. Based on the available evidence, the clinical significance of this variant remains unclear.

NM_001130144.3(LTBP3):c.1379G>A (p.Gly460Glu)

Gene: LTBP3 (latent transforming growth factor beta binding protein 3; minus strand). Cytogenetic location: 11q13.1.
Variant type: single nucleotide variant.
Coding change: c.1379G>A on transcript NM_001130144.3 (MANE Select); coding-DNA position 1379, G replaced by A.
Protein change: p.Gly460Glu; replaces glycine 460 with glutamic acid.
Molecular consequence: missense variant.
Genome position (GRCh38, 1-based): chr11:65,552,124, C>T on the plus strand (G>A on the coding strand, the complement: LTBP3 is on the minus strand). VCF-style: chr11-65552124-C-T. GRCh37 (hg19) VCF-style: chr11-65319595-C-T.
Other names: c.1028G>A, p.Gly343Glu (NM_001164266.1); c.1379G>A, p.Gly460Glu (NM_021070.4); short protein forms G460E, G343E.
Identifiers: ClinVar variation 3541120 (VCV003541120.1).
Genomic context (GRCh38, chr11:65,552,124, plus strand): 5'-AGGGAAAAGTCACTCTCGCCCTGAATGGTGAGCGTCTGGTGGGAGGTGAGAATGTGGTAT[C>T]CCTTCCCAGCTGGGCAGATCTCCTTGAACGCAGCTGCAGTCAAGACAGCAGACACAAAAG-3'
Protein context (NP_001123616.1, residues 450-470): AFKEICPAGK[Gly460Glu]YHILTSHQTL